The following is an entry in ClinVar:

NM_030662.4(MAP2K2):c.1086G>A (p.Met362Ile)

Gene: MAP2K2 (mitogen-activated protein kinase kinase 2; minus strand). Cytogenetic location: 19p13.3.
Variant type: single nucleotide variant.
Coding change: c.1086G>A on transcript NM_030662.4 (MANE Select); coding-DNA position 1086, G replaced by A.
Protein change: p.Met362Ile; replaces methionine 362 with isoleucine.
Molecular consequence: missense variant.
Genome position (GRCh38, 1-based): chr19:4,094,459, C>T on the plus strand (G>A on the coding strand, the complement: MAP2K2 is on the minus strand). VCF-style: chr19-4094459-C-T. GRCh37 (hg19) VCF-style: chr19-4094457-C-T.
Other names: short protein forms M362I.
Identifiers: ClinVar variation 3583899 (VCV003583899.3).

ClinVar aggregate classification (germline): Uncertain significance. Review status: criteria provided, multiple submitters, no conflicts (2 of 4 stars). 2 submissions from 2 submitters: Uncertain significance (2). Last evaluated 2024-05-21.

Conditions:
Cardiofaciocutaneous syndrome 4 (CFC4). Also called: MAP2K2-Related Cardiofaciocutaneous Syndrome. Identifiers: Orphanet 1340, MedGen C3809007, MONDO:0014114, OMIM 615280.
RASopathy. Also called: rasopathies; Noonan spectrum disorder. Identifiers: Orphanet 536391, MedGen C5555857, MONDO:0021060.

gnomAD v4.1: 5 of 1,564,946 alleles (0.00032%); highest among the groups gnomAD compares: South Asian, 0.0012%; no homozygotes.

Submissions (2):

Fulgent Genetics
Classification: Uncertain significance for Cardiofaciocutaneous syndrome 4. Last evaluated: 2024-05-21. Review status: criteria provided, single submitter. Criteria: ACMG Guidelines, 2015. Collection method: clinical testing. Allele origin: germline.

Labcorp Genetics (formerly Invitae), Labcorp
Classification: Uncertain significance for RASopathy. Last evaluated: 2024-03-29. Review status: criteria provided, single submitter. Criteria: Invitae Variant Classification Sherloc (09022015). Collection method: clinical testing. Allele origin: germline.
Comment: This sequence change replaces methionine, which is neutral and non-polar, with isoleucine, which is neutral and non-polar, at codon 362 of the MAP2K2 protein (p.Met362Ile). This variant is not present in population databases (gnomAD no frequency). This variant has not been reported in the literature in individuals affected with MAP2K2-related conditions. Advanced modeling of protein sequence and biophysical properties (such as structural, functional, and spatial information, amino acid conservation, physicochemical variation, residue mobility, and thermodynamic stability) performed at Invitae indicates that this missense variant is not expected to disrupt MAP2K2 protein function with a negative predictive value of 95%. In summary, the available evidence is currently insufficient to determine the role of this variant in disease. Therefore, it has been classified as a Variant of Uncertain Significance.